The following is an entry in ClinVar:

NM_001146079.2(CLDN14):c.169C>T (p.His57Tyr)

Genes: CLDN14 (claudin 14; minus strand), CLDN14-AS1 (CLDN14 antisense RNA 1; plus strand). Cytogenetic location: 21q22.13.
Variant type: single nucleotide variant.
Coding change: c.169C>T on transcript NM_001146079.2 (MANE Select); coding-DNA position 169, C replaced by T.
Protein change: p.His57Tyr; replaces histidine 57 with tyrosine.
Molecular consequence: missense variant.
Genome position (GRCh38, 1-based): chr21:36,461,527, G>A on the plus strand (C>T on the coding strand, the complement: CLDN14 is on the minus strand). VCF-style: chr21-36461527-G-A. GRCh37 (hg19) VCF-style: chr21-37833825-G-A.
Other names: c.169C>T, p.His57Tyr (NM_001146077.2, NM_001146078.3, NM_012130.4 and 1 more transcripts); short protein forms H57Y.
Identifiers: ClinVar variation 1064914 (VCV001064914.3), dbSNP rs745601274, ClinGen allele CA10019330.

ClinVar aggregate classification (germline): Uncertain significance (1 of 4 stars; one submission).

Conditions:
Hearing impairment. Also called: Impaired Hearing. Identifiers: MedGen C1384666, MONDO:0005365, HP:0000365.

Allele frequency attached by ClinVar (database versions not stated): gnomAD exomes below 0.00001 and 0.00001; ExAC 0.00001.
gnomAD v4.1: 3 of 1,613,396 alleles (0.00019%); highest among the groups gnomAD compares: Non-Finnish European, 0.00025%; no homozygotes.

Submission:

Department of Otolaryngology – Head & Neck Surgery, Cochlear Implant Center
Classification: Uncertain significance for Hearing impairment. Last evaluated: 2021-04-12. Review status: criteria provided, single submitter. Criteria: ClinGen HL ACMG Specifications v1. Collection method: clinical testing. Allele origin: germline. Affected: yes.
Comment: PM2_Moderate, BP4_Supporting